The following is an entry in ClinVar:

ClinVar aggregate classification (germline): Uncertain significance (1 of 4 stars; one submission).

Conditions:
Dilated cardiomyopathy 1KK (CMD1KK). Identifiers: Orphanet 154, Orphanet 75249, MedGen C3714995, MONDO:0014100, OMIM 615248.

Submission:

Labcorp Genetics (formerly Invitae), Labcorp
Classification: Uncertain significance for Dilated cardiomyopathy 1KK. Last evaluated: 2017-08-26. Review status: criteria provided, single submitter. Criteria: Invitae Variant Classification Sherloc (09022015). Collection method: clinical testing. Allele origin: germline.
Comment: In summary, the available evidence is currently insufficient to determine the role of this variant in disease. Therefore, it has been classified as a Variant of Uncertain Significance. Algorithms developed to predict the effect of missense changes on protein structure and function do not agree on the potential impact of this missense change (SIFT: "Tolerated"; PolyPhen-2: "Possibly Damaging"; Align-GVGD: "Class C0"). This variant has not been reported in the literature in individuals with MYPN-related disease. This variant is not present in population databases (ExAC no frequency). This sequence change replaces glutamic acid with glycine at codon 508 of the MYPN protein (p.Glu508Gly). The glutamic acid residue is highly conserved and there is a moderate physicochemical difference between glutamic acid and glycine.

NM_032578.4(MYPN):c.1523A>G (p.Glu508Gly)

Gene: MYPN (myopalladin; plus strand). Cytogenetic location: 10q21.3.
Variant type: single nucleotide variant.
Coding change: c.1523A>G on transcript NM_032578.4 (MANE Select); coding-DNA position 1523, A replaced by G.
Protein change: p.Glu508Gly; replaces glutamic acid 508 with glycine.
Molecular consequence: missense variant. On other transcripts: non-coding transcript variant (2).
Genome position (GRCh38, 1-based): chr10:68,165,741, A>G. VCF-style: chr10-68165741-A-G. GRCh37 (hg19) VCF-style: chr10-69925498-A-G.
Other names: c.1523A>G, p.Glu508Gly (NM_001256267.2); c.641A>G, p.Glu214Gly (NM_001256268.2); short protein forms E508G, E214G.
Identifiers: ClinVar variation 544034 (VCV000544034.8), dbSNP rs1554845333, ClinGen allele CA376837921.